The following is an entry in ClinVar:

NM_006767.4(LZTR1):c.1483del (p.Glu495fs)

Gene: LZTR1 (leucine zipper like post translational regulator 1; plus strand). Cytogenetic location: 22q11.21.
Variant type: Deletion.
Coding change: c.1483del on transcript NM_006767.4 (MANE Select); coding-DNA position 1483, one base deleted (G; older notation c.1483delG).
Protein change: p.Glu495fs; shifts the reading frame from glutamic acid 495.
Molecular consequence: frameshift variant.
Genome position (GRCh38, 1-based): chr22:20,994,137, G deleted; the last of 3 consecutive G bases (chr22:20,994,135-20,994,137); deleting any one gives the same sequence. VCF-style (leftmost placement, unchanged base first): chr22-20994134-AG-A. GRCh37 (hg19) VCF-style: chr22-21348423-AG-A.
Other names: short protein forms E495fs.
Identifiers: ClinVar variation 3869259 (VCV003869259.1).

ClinVar aggregate classification (germline): Pathogenic (1 of 4 stars; one submission).

Conditions:
Hereditary cancer-predisposing syndrome. Also called: Hereditary neoplastic syndrome; Neoplastic Syndromes, Hereditary; Tumor predisposition; Hereditary Cancer Syndrome. Identifiers: Orphanet 140162, MedGen C0027672, MeSH D009386, MONDO:0015356.
Cardiovascular phenotype. Identifiers: MedGen CN230736.

Submission:

Ambry Genetics
Classification: Pathogenic for Cardiovascular phenotype; Hereditary cancer-predisposing syndrome. Last evaluated: 2024-12-11. Review status: criteria provided, single submitter. Criteria: Ambry Variant Classification Scheme 2023. Collection method: clinical testing. Allele origin: germline.
Comment: The c.1483delG pathogenic mutation, located in coding exon 14 of the LZTR1 gene, results from a deletion of one nucleotide at nucleotide position 1483, causing a translational frameshift with a predicted alternate stop codon (p.E495Rfs*61). This alteration is expected to result in loss of function by premature protein truncation or nonsense-mediated mRNA decay. This variant is considered to be rare based on population cohorts in the Genome Aggregation Database (gnomAD). Loss-of-function variants in LZTR1 are related to an increased risk for schwannomas and autosomal recessive Noonan syndrome; however, such associations with autosomal dominant Noonan syndrome have not been observed (Piotrowski A et al. Nat Genet. 2014 Feb;46:182-7; Yamamoto GL et al. J Med Genet. 2015 Jun;52:413-21; Johnston JJ et al. Genet Med. 2018 10;20:1175-1185). Based on the supporting evidence, this variant is pathogenic for an increased risk of LZTR1-related schwannomatosis (SWN) and would be expected to cause autosomal recessive Noonan syndrome when present along with a second pathogenic or likely pathogenic variant on the other allele; however, the association of this alteration with autosomal dominant Noonan syndrome is unlikely.